The following is an entry in ClinVar:

ClinVar aggregate classification (germline): Pathogenic (1 of 4 stars; one submission).

Conditions:
Cardiovascular phenotype. Identifiers: MedGen CN230736.
Hereditary cancer-predisposing syndrome. Also called: Hereditary Cancer Syndrome; Hereditary neoplastic syndrome; Neoplastic Syndromes, Hereditary; Tumor predisposition. Identifiers: Orphanet 140162, MedGen C0027672, MeSH D009386, MONDO:0015356.

Submission:

Ambry Genetics
Classification: Pathogenic for Cardiovascular phenotype; Hereditary cancer-predisposing syndrome. Last evaluated: 2020-10-03. Review status: criteria provided, single submitter. Criteria: Ambry Variant Classification Scheme 2023. Collection method: clinical testing. Allele origin: germline.
Comment: The c.5705_5706insA pathogenic mutation, located in coding exon 38 of the NF1 gene, results from an insertion of one nucleotide at position 5705, causing a translational frameshift with a predicted alternate stop codon (p.L1903Vfs*12). This alteration is expected to result in loss of function by premature protein truncation or nonsense-mediated mRNA decay. As such, this alteration is interpreted as a disease-causing mutation.

NM_001042492.3(NF1):c.5768_5769insA (p.Leu1924fs)

Gene: NF1 (neurofibromin 1; plus strand). Cytogenetic location: 17q11.2.
Variant type: Insertion.
Coding change: c.5768_5769insA on transcript NM_001042492.3 (MANE Select); coding-DNA positions 5768 to 5769, A inserted.
Protein change: p.Leu1924fs; shifts the reading frame from leucine 1924.
Molecular consequence: frameshift variant.
Genome position: GRCh38 VCF-style: chr17-31330454-C-CA. GRCh37 (hg19) VCF-style: chr17-29657472-C-CA.
Other names: c.5705_5706insA, p.Leu1903Valfs (NM_000267.4); short protein forms L1903fs, L1924fs.
Identifiers: ClinVar variation 1749187 (VCV001749187.2), dbSNP rs2508719308, ClinGen allele CA2580093393.